The following is an entry in ClinVar:

ClinVar aggregate classification (germline): Conflicting classifications of pathogenicity. Review status: criteria provided, conflicting classifications (1 of 4 stars). 3 submissions from 3 submitters: Uncertain significance (1); Likely benign (1). 1 of the submissions does not count toward it. Last evaluated 2025-07-30.

Conditions:
Junctional epidermolysis bullosa with pyloric atresia. Also called: EPIDERMOLYSIS BULLOSA, JUNCTIONAL 5B, WITH PYLORIC ATRESIA; APLASIA CUTIS CONGENITA WITH GASTROINTESTINAL ATRESIA; CARMI SYNDROME; EB-PA-ACC; Epidermolysis bullosa, junctional, with pyloric atresia and aplasia cutis congenita; Epidermolysis bullosa junctionalis with pyloric atresia. Identifiers: Orphanet 79403, MedGen C5676875, MONDO:0009183, OMIM 226730.
ITGB4-related disorder. Also called: ITGB4-related condition.

Allele frequency attached by ClinVar (database versions not stated): TOPMed 0.00006; gnomAD exomes 0.00007 and 0.00017; ExAC 0.00008; gnomAD 0.00008 and 0.00009.

Submissions (3):

Labcorp Genetics (formerly Invitae), Labcorp
Classification: Likely benign. Last evaluated: 2025-07-30. Review status: criteria provided, single submitter. Criteria: Invitae Variant Classification Sherloc (09022015). Collection method: clinical testing. Allele origin: germline.

Illumina Laboratory Services, Illumina
Classification: Uncertain significance for Junctional epidermolysis bullosa with pyloric atresia. Last evaluated: 2018-01-13. Review status: criteria provided, single submitter. Criteria: ICSL Variant Classification Criteria 13 December 2019. Collection method: clinical testing. Allele origin: germline.

PreventionGenetics, part of Exact Sciences
Classification: Likely benign for ITGB4-related condition. Last evaluated: 2019-05-21. Review status: no assertion criteria provided. Collection method: clinical testing. Allele origin: germline. Not counted in ClinVar's aggregate classification.
Comment: This variant is classified as likely benign based on ACMG/AMP sequence variant interpretation guidelines (Richards et al. 2015 PMID: 25741868, with internal and published modifications).

NM_000213.5(ITGB4):c.312A>G (p.Gln104=)

Gene: ITGB4 (integrin subunit beta 4; plus strand). Cytogenetic location: 17q25.1.
Variant type: single nucleotide variant.
Coding change: c.312A>G on transcript NM_000213.5 (MANE Select); coding-DNA position 312, A replaced by G.
Protein change: p.Gln104=; no amino-acid change (glutamine 104 retained).
Molecular consequence: synonymous variant.
Genome position (GRCh38, 1-based): chr17:75,727,698, A>G. VCF-style: chr17-75727698-A-G. GRCh37 (hg19) VCF-style: chr17-73723779-A-G.
Other names: c.312A>G, p.Gln104= (NM_001005619.2, NM_001005731.3, NM_001321123.2).
Identifiers: ClinVar variation 715087 (VCV000715087.12), dbSNP rs568835164, ClinGen allele CA8768637.